The following is an entry in ClinVar:

ClinVar aggregate classification (germline): Likely benign. Review status: criteria provided, multiple submitters, no conflicts (2 of 4 stars). 3 submissions from 3 submitters: Likely benign (2). 1 of the submissions does not count toward it. Last evaluated 2025-10-23.

Conditions:
HK1-related disorder. Also called: HK1-related condition; HK1-related disorders.

Allele frequency attached by ClinVar (database versions not stated): ExAC 0.00003; gnomAD exomes 0.00003 and 0.00004; TOPMed 0.00003; gnomAD 0.00005.
gnomAD v4.1: 60 of 1,614,118 alleles (0.0037%); highest among the groups gnomAD compares: Non-Finnish European, 0.0047%; no homozygotes.

Submissions (3):

Labcorp Genetics (formerly Invitae), Labcorp
Classification: Likely benign. Last evaluated: 2025-10-23. Review status: criteria provided, single submitter. Criteria: Invitae Variant Classification Sherloc (09022015). Collection method: clinical testing. Allele origin: germline.

Blueprint Genetics
Classification: Likely benign. Last evaluated: 2024-02-26. Review status: criteria provided, single submitter. Criteria: ACMG Guidelines, 2015. Collection method: clinical testing. Allele origin: germline.

PreventionGenetics, part of Exact Sciences
Classification: Likely benign for HK1-related condition. Last evaluated: 2019-09-20. Review status: no assertion criteria provided. Collection method: clinical testing. Allele origin: germline. Not counted in ClinVar's aggregate classification.
Comment: This variant is classified as likely benign based on ACMG/AMP sequence variant interpretation guidelines (Richards et al. 2015 PMID: 25741868, with internal and published modifications).

NM_000188.3(HK1):c.804A>T (p.Gly268=)

Gene: HK1 (hexokinase 1; plus strand). Cytogenetic location: 10q22.1.
Variant type: single nucleotide variant.
Coding change: c.804A>T on transcript NM_000188.3 (MANE Select); coding-DNA position 804, A replaced by T.
Protein change: p.Gly268=; no amino-acid change (glycine 268 retained).
Molecular consequence: synonymous variant.
Genome position (GRCh38, 1-based): chr10:69,369,553, A>T. VCF-style: chr10-69369553-A-T. GRCh37 (hg19) VCF-style: chr10-71129309-A-T.
Other names: c.816A>T, p.Gly272= (NM_001322364.2, NM_001358263.1, NM_033497.3 and 1 more transcripts); c.909A>T, p.Gly303= (NM_001322365.2); c.720A>T, p.Gly240= (NM_001322366.1); c.708A>T, p.Gly236= (NM_001322367.1); c.801A>T, p.Gly267= (NM_033496.3); c.768A>T, p.Gly256= (NM_033500.2); c.804A>T (NM_000188.2).
Identifiers: ClinVar variation 1131187 (VCV001131187.12), dbSNP rs752479808, ClinGen allele CA5532429.